The following is an entry in ClinVar:

NM_001854.4(COL11A1):c.3979-1G>A

Gene: COL11A1 (collagen type XI alpha 1 chain; minus strand). Cytogenetic location: 1p21.1.
Variant type: single nucleotide variant.
Coding change: c.3979-1G>A on transcript NM_001854.4 (MANE Select); the canonical splice acceptor site of the intron before coding-DNA position 3979, G replaced by A.
Molecular consequence: splice acceptor variant.
Genome position (GRCh38, 1-based): chr1:102,913,691, C>T on the plus strand (G>A on the coding strand, the complement: COL11A1 is on the minus strand). VCF-style: chr1-102913691-C-T. GRCh37 (hg19) VCF-style: chr1-103379247-C-T.
Other names: c.3862-1G>A (NM_001190709.2); c.4015-1G>A (NM_080629.3); c.3631-1G>A (NM_080630.4).
Identifiers: ClinVar variation 4881725 (VCV004881725.2).
Genomic context (GRCh38, chr1:102,913,691, plus strand): 5'-ACTCACCGGTTGACCAGGATCTCCATCTTCACCCTTGTCACCACCAACACCATCTTGACC[C>T]TATAAGAGGCAATAAAATATGAAGCAAGATATATCTCAGTATCAATAAATCACACTACTT-3'

ClinVar aggregate classification (germline): Likely pathogenic (1 of 4 stars; one submission).

Conditions:
Fibrochondrogenesis 1 (FBCG1). Identifiers: Orphanet 2021, MedGen C3278138, MONDO:0009226, OMIM 228520.

Submission:

Dasa
Classification: Likely pathogenic for Fibrochondrogenesis 1. Last evaluated: 2025-09-18. Review status: criteria provided, single submitter. Criteria: DASA Assertion Criteria. Collection method: clinical testing. Allele origin: germline.
Comment: NM_001854.4(COL11A1):c.3979-1G>A affects a canonical splice site and is predicted to disrupt normal RNA splicing. Loss of function is an established disease mechanism for COL11A1-associated disorders. Also, this variant is absent from population databases. Based on the currently available evidence, this variant is classified as likely pathogenic.